The following is an entry in ClinVar:

NM_001243133.2(NLRP3):c.623A>G (p.Asp208Gly)

Gene: NLRP3 (NLR family pyrin domain containing 3; plus strand). Cytogenetic location: 1q44.
Variant type: single nucleotide variant.
Coding change: c.623A>G on transcript NM_001243133.2 (MANE Select); coding-DNA position 623, A replaced by G.
Protein change: p.Asp208Gly; replaces aspartic acid 208 with glycine.
Molecular consequence: missense variant.
Genome position (GRCh38, 1-based): chr1:247,424,072, A>G. VCF-style: chr1-247424072-A-G. GRCh37 (hg19) VCF-style: chr1-247587374-A-G.
Other names: c.623A>G, p.Asp208Gly (NM_001079821.3, NM_001127461.3, NM_001127462.3 and 1 more transcripts); c.629A>G, p.Asp210Gly (NM_004895.5); short protein forms D208G, D210G.
Identifiers: ClinVar variation 2758644 (VCV002758644.3), dbSNP rs1662674602, ClinGen allele CA345555067.
Genomic context (GRCh38, chr1:247,424,072, plus strand): 5'-TCGGCAAGACCAAGACGTGTGAGAGCCCCGTGAGTCCCATTAAGATGGAGTTGCTGTTTG[A>G]CCCCGATGATGAGCATTCTGAGCCTGTGCACACCGTGGTGTTCCAGGGGGCGGCAGGGAT-3'
Protein context (NP_001230062.1, residues 198-218): VSPIKMELLF[Asp208Gly]PDDEHSEPVH

ClinVar aggregate classification (germline): Uncertain significance (1 of 4 stars; one submission).

Conditions:
Cryopyrin associated periodic syndrome (CAPS). Identifiers: Orphanet 208650, MedGen C2316212, MONDO:0016168.

Allele frequency attached by ClinVar (database versions not stated): gnomAD 0.00001.
gnomAD v4.1: 1 of 1,613,484 alleles (0.000062%); highest among the groups gnomAD compares: Non-Finnish European, 0.000085%; no homozygotes.

Submission:

Labcorp Genetics (formerly Invitae), Labcorp
Classification: Uncertain significance for Cryopyrin associated periodic syndrome. Last evaluated: 2023-12-01. Review status: criteria provided, single submitter. Criteria: Invitae Variant Classification Sherloc (09022015). Collection method: clinical testing. Allele origin: germline.
Comment: This sequence change replaces aspartic acid, which is acidic and polar, with glycine, which is neutral and non-polar, at codon 210 of the NLRP3 protein (p.Asp210Gly). This variant is not present in population databases (gnomAD no frequency). This variant has not been reported in the literature in individuals affected with NLRP3-related conditions. Advanced modeling of protein sequence and biophysical properties (such as structural, functional, and spatial information, amino acid conservation, physicochemical variation, residue mobility, and thermodynamic stability) has been performed at Invitae for this missense variant, however the output from this modeling did not meet the statistical confidence thresholds required to predict the impact of this variant on NLRP3 protein function. In summary, the available evidence is currently insufficient to determine the role of this variant in disease. Therefore, it has been classified as a Variant of Uncertain Significance.